The following is an entry in ClinVar:

NM_004360.5(CDH1):c.709T>G (p.Ser237Ala)

Gene: CDH1 (cadherin 1; plus strand). Cytogenetic location: 16q22.1.
Variant type: single nucleotide variant.
Coding change: c.709T>G on transcript NM_004360.5 (MANE Select); coding-DNA position 709, T replaced by G.
Protein change: p.Ser237Ala; replaces serine 237 with alanine.
Molecular consequence: missense variant. On other transcripts: 5 prime UTR variant (2).
Genome position (GRCh38, 1-based): chr16:68,810,218, T>G. VCF-style: chr16-68810218-T-G. GRCh37 (hg19) VCF-style: chr16-68844121-T-G.
Other names: c.709T>G, p.Ser237Ala (NM_001317184.2); c.-907T>G (NM_001317185.2); c.-1111T>G (NM_001317186.2); short protein forms S237A.
Identifiers: ClinVar variation 2107521 (VCV002107521.4), dbSNP rs2152131020, ClinGen allele CA396458428.

ClinVar aggregate classification (germline): Uncertain significance (1 of 4 stars; one submission).

Conditions:
Hereditary diffuse gastric adenocarcinoma (HDGC). Also called: DIFFUSE GASTRIC AND LOBULAR BREAST CANCER SYNDROME. Identifiers: Orphanet 26106, MedGen C1708349, MONDO:0007648, OMIM 137215.

Submission:

Labcorp Genetics (formerly Invitae), Labcorp
Classification: Uncertain significance for Hereditary diffuse gastric adenocarcinoma. Last evaluated: 2022-03-08. Review status: criteria provided, single submitter. Criteria: Invitae Variant Classification Sherloc (09022015). Collection method: clinical testing. Allele origin: germline.
Comment: This variant has not been reported in the literature in individuals affected with CDH1-related conditions. In summary, the available evidence is currently insufficient to determine the role of this variant in disease. Therefore, it has been classified as a Variant of Uncertain Significance. Algorithms developed to predict the effect of missense changes on protein structure and function (SIFT, PolyPhen-2, Align-GVGD) all suggest that this variant is likely to be tolerated. This variant is not present in population databases (gnomAD no frequency). This sequence change replaces serine, which is neutral and polar, with alanine, which is neutral and non-polar, at codon 237 of the CDH1 protein (p.Ser237Ala).